The following is an entry in ClinVar:

ClinVar aggregate classification (germline): Uncertain significance (1 of 4 stars; one submission).

gnomAD v4.1: 3 of 1,614,164 alleles (0.00019%); highest among the groups gnomAD compares: Non-Finnish European, 0.00025%; no homozygotes.

Submission:

GeneDx
Classification: Uncertain significance. Last evaluated: 2024-03-27. Review status: criteria provided, single submitter. Criteria: GeneDx Variant Classification Process June 2021. Collection method: clinical testing. Allele origin: germline. Affected: yes.
Comment: Not observed at significant frequency in large population cohorts (gnomAD); In silico analysis supports that this missense variant has a deleterious effect on protein structure/function; Has not been previously published as pathogenic or benign to our knowledge

NM_015267.4(CUX2):c.1144T>A (p.Cys382Ser)

Gene: CUX2 (cut like homeobox 2; plus strand). Cytogenetic location: 12q24.12.
Variant type: single nucleotide variant.
Coding change: c.1144T>A on transcript NM_015267.4 (MANE Select); coding-DNA position 1144, T replaced by A.
Protein change: p.Cys382Ser; replaces cysteine 382 with serine.
Molecular consequence: missense variant.
Genome position (GRCh38, 1-based): chr12:111,308,319, T>A. VCF-style: chr12-111308319-T-A. GRCh37 (hg19) VCF-style: chr12-111746123-T-A.
Other names: c.958T>A, p.Cys320Ser (NM_001370598.1); short protein forms C320S, C382S.
Identifiers: ClinVar variation 3371471 (VCV003371471.1).
Genomic context (GRCh38, chr12:111,308,319, plus strand): 5'-CAGACCCTCTCCACTTGCTCTGGCAGCATCCTGAAAGCCATGAAGCTGGCCTCCAGCACC[T>A]GCAGCCTCCCCCAGGTAAGTGTCCCTGCCACCATCCCTGCAGGGCAGGCTGCCCCAGTGA-3'
Protein context (NP_056082.2, residues 372-392): LKAMKLASST[Cys382Ser]SLPQGMAKPE